The following is an entry in ClinVar:

NM_000077.5(CDKN2A):c.14C>A (p.Ala5Glu)

Gene: CDKN2A (cyclin dependent kinase inhibitor 2A; minus strand). Cytogenetic location: 9p21.3.
Variant type: single nucleotide variant.
Coding change: c.14C>A on transcript NM_000077.5; coding-DNA position 14, C replaced by A.
Protein change: p.Ala5Glu; replaces alanine 5 with glutamic acid.
Molecular consequence: missense variant (on NM_000077.6). On other transcripts: intron variant (2).
Genome position (GRCh38, 1-based): chr9:21,974,814, G>T on the plus strand (C>A on the coding strand, the complement: CDKN2A is on the minus strand). VCF-style: chr9-21974814-G-T. GRCh37 (hg19) VCF-style: chr9-21974813-G-T.
Other names: c.14C>A, p.Ala5Glu (NM_000077.6, NM_001195132.2, NM_058197.5); c.-3-3606C>A (NM_001363763.2); c.194-3606C>A (NM_058195.4); short protein forms A5E.
Identifiers: ClinVar variation 489864 (VCV000489864.15), dbSNP rs1554656700, ClinGen allele CA373086720.

ClinVar aggregate classification (germline): Uncertain significance. Review status: criteria provided, multiple submitters, no conflicts (2 of 4 stars). 3 submissions from 3 submitters: Uncertain significance (3). Last evaluated 2023-09-21.

Conditions:
Familial melanoma. Also called: Hereditary melanoma; Hereditary cutaneous melanoma. Identifiers: Orphanet 618, MedGen C1512419, MONDO:0018961.
Hereditary cancer-predisposing syndrome. Also called: Tumor predisposition; Hereditary Cancer Syndrome; Neoplastic Syndromes, Hereditary; Hereditary neoplastic syndrome. Identifiers: Orphanet 140162, MedGen C0027672, MeSH D009386, MONDO:0015356.

Allele frequency attached by ClinVar (database versions not stated): TOPMed below 0.00001; gnomAD 0.00001.

Submissions (3):

Ambry Genetics
Classification: Uncertain significance for Hereditary cancer-predisposing syndrome. Last evaluated: 2023-09-21. Review status: criteria provided, single submitter. Criteria: Ambry Variant Classification Scheme 2023. Collection method: clinical testing. Allele origin: germline.
Comment: The p.A5E variant (also known as c.14C>A), located in coding exon 1 of the CDKN2A gene, results from a C to A substitution at nucleotide position 14. The alanine at codon 5 is replaced by glutamic acid, an amino acid with dissimilar properties. This amino acid position is poorly conserved in available vertebrate species. In addition, this alteration is predicted to be tolerated by in silico analysis. Since supporting evidence is limited at this time, the clinical significance of this alteration remains unclear.

Labcorp Genetics (formerly Invitae), Labcorp
Classification: Uncertain significance for Familial melanoma. Last evaluated: 2021-05-19. Review status: criteria provided, single submitter. Criteria: Invitae Variant Classification Sherloc (09022015). Collection method: clinical testing. Allele origin: germline.
Comment: In summary, the available evidence is currently insufficient to determine the role of this variant in disease. Therefore, it has been classified as a Variant of Uncertain Significance. Algorithms developed to predict the effect of missense changes on protein structure and function (SIFT, PolyPhen-2, Align-GVGD) all suggest that this variant is likely to be tolerated, but these predictions have not been confirmed by published functional studies and their clinical significance is uncertain. This variant has not been reported in the literature in individuals with CDKN2A (p16INK4a)-related conditions. ClinVar contains an entry for this variant (Variation ID: 489864). This variant is not present in population databases (ExAC no frequency). This sequence change replaces alanine with glutamic acid at codon 5 of the CDKN2A (p16INK4a) protein (p.Ala5Glu). The alanine residue is weakly conserved and there is a moderate physicochemical difference between alanine and glutamic acid.

Color Diagnostics, LLC DBA Color Health
Classification: Uncertain significance for Hereditary cancer-predisposing syndrome. Last evaluated: 2018-09-02. Review status: criteria provided, single submitter. Criteria: ACMG Guidelines, 2015. Collection method: clinical testing. Allele origin: germline.